The following is an entry in ClinVar:

ClinVar aggregate classification (germline): Conflicting classifications of pathogenicity. Review status: criteria provided, conflicting classifications (1 of 4 stars). 2 submissions from 2 submitters: Uncertain significance (1); Likely benign (1). Last evaluated 2025-01-06.

Submissions (2):

Women's Health and Genetics/Laboratory Corporation of America, LabCorp
Classification: Uncertain significance. Last evaluated: 2025-01-06. Review status: criteria provided, single submitter. Criteria: LabCorp Variant Classification Summary - May 2015. Collection method: clinical testing. Allele origin: germline.
Comment: Variant summary: ALPI c.1269C>T alters a non-conserved nucleotide resulting in a synonymous change. Several computational tools predict a significant impact on normal splicing: One predict the variant strengthens a cryptic 5' donor site. Three predict the variant creates a cryptic 5' donor site. However, these predictions have yet to be confirmed by functional studies. The variant allele was found at a frequency of 7.2e-05 in 250792 control chromosomes (gnomAD). To our knowledge, no occurrence of c.1269C>T in individuals affected with ALPI-related inflammatory bowel disease and no experimental evidence demonstrating its impact on protein function have been reported. No submitters have cited clinical-significance assessments for this variant to ClinVar. Based on the evidence outlined above, the variant was classified as uncertain significance.

Blueprint Genetics
Classification: Likely benign. Last evaluated: 2023-11-17. Review status: criteria provided, single submitter. Criteria: ACMG Guidelines, 2015. Collection method: clinical testing. Allele origin: germline.

NM_001631.5(ALPI):c.1269C>T (p.Gly423=)

Gene: ALPI (alkaline phosphatase, intestinal; plus strand). Cytogenetic location: 2q37.1.
Variant type: single nucleotide variant.
Coding change: c.1269C>T on transcript NM_001631.5 (MANE Select); coding-DNA position 1269, C replaced by T.
Protein change: p.Gly423=; no amino-acid change (glycine 423 retained).
Molecular consequence: synonymous variant.
Genome position (GRCh38, 1-based): chr2:232,458,717, C>T. VCF-style: chr2-232458717-C-T. GRCh37 (hg19) VCF-style: chr2-233323427-C-T.
Identifiers: ClinVar variation 3769260 (VCV003769260.3).